The following is an entry in ClinVar:

ClinVar aggregate classification (germline): Uncertain significance (1 of 4 stars; one submission).

Conditions:
Hypertrophic cardiomyopathy. Also called: HYPERTROPHIC MYOCARDIOPATHY. Identifiers: Orphanet 217569, MedGen C0007194, MeSH D002312, MONDO:0005045, HP:0001639.

gnomAD v4.1: 1 of 1,613,512 alleles (0.000062%); highest among the groups gnomAD compares: Admixed American, 0.0017%; no homozygotes.

Submission:

Labcorp Genetics (formerly Invitae), Labcorp
Classification: Uncertain significance for Hypertrophic cardiomyopathy. Last evaluated: 2022-04-28. Review status: criteria provided, single submitter. Criteria: Invitae Variant Classification Sherloc (09022015). Collection method: clinical testing. Allele origin: germline.
Comment: In summary, the available evidence is currently insufficient to determine the role of this variant in disease. Therefore, it has been classified as a Variant of Uncertain Significance. Algorithms developed to predict the effect of missense changes on protein structure and function are either unavailable or do not agree on the potential impact of this missense change (SIFT: "Deleterious"; PolyPhen-2: "Possibly Damaging"; Align-GVGD: "Class C0"). This variant has not been reported in the literature in individuals affected with MYOZ2-related conditions. This variant is not present in population databases (gnomAD no frequency). This sequence change replaces methionine, which is neutral and non-polar, with isoleucine, which is neutral and non-polar, at codon 60 of the MYOZ2 protein (p.Met60Ile).

NM_016599.5(MYOZ2):c.180G>A (p.Met60Ile)

Gene: MYOZ2 (myozenin 2; plus strand). Cytogenetic location: 4q26.
Variant type: single nucleotide variant.
Coding change: c.180G>A on transcript NM_016599.5 (MANE Select); coding-DNA position 180, G replaced by A.
Protein change: p.Met60Ile; replaces methionine 60 with isoleucine.
Molecular consequence: missense variant.
Genome position (GRCh38, 1-based): chr4:119,150,975, G>A. VCF-style: chr4-119150975-G-A. GRCh37 (hg19) VCF-style: chr4-120072130-G-A.
Other names: short protein forms M60I.
Identifiers: ClinVar variation 1404056 (VCV001404056.6), dbSNP rs2149221476, ClinGen allele CA358203613.